The following is an entry in ClinVar:

NM_021076.4(NEFH):c.1697C>G (p.Ser566Cys)

Gene: NEFH (neurofilament heavy chain; plus strand). Cytogenetic location: 22q12.2.
Variant type: single nucleotide variant.
Coding change: c.1697C>G on transcript NM_021076.4 (MANE Select); coding-DNA position 1697, C replaced by G.
Protein change: p.Ser566Cys; replaces serine 566 with cysteine.
Molecular consequence: missense variant.
Genome position (GRCh38, 1-based): chr22:29,489,337, C>G. VCF-style: chr22-29489337-C-G. GRCh37 (hg19) VCF-style: chr22-29885326-C-G.
Other names: short protein forms S566C.
Identifiers: ClinVar variation 3011388 (VCV003011388.3), dbSNP rs779392800, ClinGen allele CA411131437.

ClinVar aggregate classification (germline): Uncertain significance (1 of 4 stars; one submission).

Allele frequency attached by ClinVar (database versions not stated): TOPMed 0.00002.
gnomAD v4.1: 2 of 1,613,254 alleles (0.00012%); highest among the groups gnomAD compares: African/African-American, 0.0027%; no homozygotes.

Submission:

Labcorp Genetics (formerly Invitae), Labcorp
Classification: Uncertain significance. Last evaluated: 2023-06-09. Review status: criteria provided, single submitter. Criteria: Invitae Variant Classification Sherloc (09022015). Collection method: clinical testing. Allele origin: germline.
Comment: In summary, the available evidence is currently insufficient to determine the role of this variant in disease. Therefore, it has been classified as a Variant of Uncertain Significance. Advanced modeling of protein sequence and biophysical properties (such as structural, functional, and spatial information, amino acid conservation, physicochemical variation, residue mobility, and thermodynamic stability) performed at Invitae indicates that this missense variant is not expected to disrupt NEFH protein function. This variant has not been reported in the literature in individuals affected with NEFH-related conditions. This variant is present in population databases (no rsID available, gnomAD 0.01%). This sequence change replaces serine, which is neutral and polar, with cysteine, which is neutral and slightly polar, at codon 566 of the NEFH protein (p.Ser566Cys).